The following is an entry in ClinVar:

ClinVar aggregate classification (germline): Uncertain significance. Review status: criteria provided, multiple submitters, no conflicts (2 of 4 stars). 2 submissions from 2 submitters: Uncertain significance (2). Last evaluated 2025-12-17.

Conditions:
Kleefstra syndrome 1 (KLEFS1). Identifiers: Orphanet 261494, MedGen C0795833, MONDO:0027407, OMIM 610253.

Allele frequency attached by ClinVar (database versions not stated): gnomAD 0.00001; TOPMed 0.00002.
gnomAD v4.1: 2 of 1,612,994 alleles (0.00012%); highest among the groups gnomAD compares: African/African-American, 0.0027%; no homozygotes.

Submissions (2):

GeneDx
Classification: Uncertain significance. Last evaluated: 2025-12-17. Review status: criteria provided, single submitter. Criteria: GeneDx Variant Classification Process June 2021. Collection method: clinical testing. Allele origin: germline. Affected: yes.
Comment: Not observed at significant frequency in large population cohorts (gnomAD); In silico analysis supports that this missense variant has a deleterious effect on protein structure/function; Has not been previously published as pathogenic or benign to our knowledge

Labcorp Genetics (formerly Invitae), Labcorp
Classification: Uncertain significance for Kleefstra syndrome 1. Last evaluated: 2023-07-10. Review status: criteria provided, single submitter. Criteria: Invitae Variant Classification Sherloc (09022015). Collection method: clinical testing. Allele origin: germline.
Comment: In summary, the available evidence is currently insufficient to determine the role of this variant in disease. Therefore, it has been classified as a Variant of Uncertain Significance. An algorithm developed to predict the effect of missense changes on protein structure and function (PolyPhen-2) suggests that this variant is likely to be disruptive. ClinVar contains an entry for this variant (Variation ID: 1327713). This variant has not been reported in the literature in individuals affected with EHMT1-related conditions. This variant is not present in population databases (gnomAD no frequency). This sequence change replaces serine, which is neutral and polar, with isoleucine, which is neutral and non-polar, at codon 122 of the EHMT1 protein (p.Ser122Ile).

NM_024757.5(EHMT1):c.365G>T (p.Ser122Ile)

Gene: EHMT1 (euchromatic histone lysine methyltransferase 1; plus strand). Cytogenetic location: 9q34.3.
Variant type: single nucleotide variant.
Coding change: c.365G>T on transcript NM_024757.5 (MANE Select); coding-DNA position 365, G replaced by T.
Protein change: p.Ser122Ile; replaces serine 122 with isoleucine.
Molecular consequence: missense variant.
Genome position (GRCh38, 1-based): chr9:137,716,905, G>T. VCF-style: chr9-137716905-G-T. GRCh37 (hg19) VCF-style: chr9-140611357-G-T.
Other names: c.365G>T, p.Ser122Ile (NM_001145527.2, NM_001354263.2, NM_001354611.2); c.272G>T, p.Ser91Ile (NM_001354259.2, NM_001354612.2); short protein forms S122I, S91I.
Identifiers: ClinVar variation 1327713 (VCV001327713.8), dbSNP rs1407532809, ClinGen allele CA375764609.